The following is an entry in ClinVar:

NM_000051.4(ATM):c.4346T>C (p.Leu1449Ser)

Gene: ATM (ATM serine/threonine kinase; plus strand). Cytogenetic location: 11q22.3.
Variant type: single nucleotide variant.
Coding change: c.4346T>C on transcript NM_000051.4 (MANE Select); coding-DNA position 4346, T replaced by C.
Protein change: p.Leu1449Ser; replaces leucine 1449 with serine.
Molecular consequence: missense variant.
Genome position (GRCh38, 1-based): chr11:108,289,711, T>C. VCF-style: chr11-108289711-T-C. GRCh37 (hg19) VCF-style: chr11-108160438-T-C.
Other names: c.4346T>C, p.Leu1449Ser (NM_001351834.2); short protein forms L1449S.
Identifiers: ClinVar variation 958372 (VCV000958372.9), dbSNP rs2082678060, ClinGen allele CA382531983.

ClinVar aggregate classification (germline): Uncertain significance. Review status: criteria provided, multiple submitters, no conflicts (2 of 4 stars). 2 submissions from 2 submitters: Uncertain significance (2). Last evaluated 2022-10-03.

Conditions:
Hereditary cancer-predisposing syndrome. Also called: Hereditary neoplastic syndrome; Tumor predisposition; Neoplastic Syndromes, Hereditary; Hereditary Cancer Syndrome. Identifiers: Orphanet 140162, MedGen C0027672, MeSH D009386, MONDO:0015356.
Ataxia-telangiectasia syndrome (AT). Also called: AT, COMPLEMENTATION GROUP C; Ataxia telangiectasia (A-T); Cerebello-oculocutaneous telangiectasia; Immunodeficiency with ataxia telangiectasia; LOUIS-BAR SYNDROME; Ataxia-telangiectasia. Identifiers: Orphanet 100, MedGen C0004135, MONDO:0008840, OMIM 208900.

Allele frequency attached by ClinVar (database versions not stated): gnomAD exomes below 0.00001.
gnomAD v4.1: 1 of 1,613,676 alleles (0.000062%); highest among the groups gnomAD compares: Non-Finnish European, 0.000085%; no homozygotes.

Submissions (2):

Ambry Genetics
Classification: Uncertain significance for Hereditary cancer-predisposing syndrome. Last evaluated: 2022-10-03. Review status: criteria provided, single submitter. Criteria: Ambry Variant Classification Scheme 2023. Collection method: clinical testing. Allele origin: germline.
Comment: The p.L1449S variant (also known as c.4346T>C), located in coding exon 28 of the ATM gene, results from a T to C substitution at nucleotide position 4346. The leucine at codon 1449 is replaced by serine, an amino acid with dissimilar properties. This amino acid position is conserved. In addition, this alteration is predicted to be deleterious by in silico analysis. Since supporting evidence is limited at this time, the clinical significance of this alteration remains unclear.

Labcorp Genetics (formerly Invitae), Labcorp
Classification: Uncertain significance for Ataxia-telangiectasia syndrome. Last evaluated: 2021-08-28. Review status: criteria provided, single submitter. Criteria: Invitae Variant Classification Sherloc (09022015). Collection method: clinical testing. Allele origin: germline.
Comment: This sequence change replaces leucine with serine at codon 1449 of the ATM protein (p.Leu1449Ser). The leucine residue is highly conserved and there is a large physicochemical difference between leucine and serine. This variant is not present in population databases (ExAC no frequency). This variant has not been reported in the literature in individuals affected with ATM-related conditions. Algorithms developed to predict the effect of missense changes on protein structure and function (SIFT, PolyPhen-2, Align-GVGD) all suggest that this variant is likely to be disruptive. In summary, the available evidence is currently insufficient to determine the role of this variant in disease. Therefore, it has been classified as a Variant of Uncertain Significance.